The following is an entry in ClinVar:

ClinVar aggregate classification (germline): Uncertain significance (1 of 4 stars; one submission).

Conditions:
Cardiovascular phenotype. Identifiers: MedGen CN230736.

Allele frequency attached by ClinVar (database versions not stated): gnomAD exomes below 0.00001; TOPMed 0.00002.
gnomAD v4.1: 3 of 1,532,086 alleles (0.0002%); highest among the groups gnomAD compares: South Asian, 0.0012%; no homozygotes.

Submission:

Ambry Genetics
Classification: Uncertain significance for Cardiovascular phenotype. Last evaluated: 2020-11-19. Review status: criteria provided, single submitter. Criteria: Ambry Variant Classification Scheme 2023. Collection method: clinical testing. Allele origin: germline.
Comment: The p.R3097H variant (also known as c.9290G>A), located in coding exon 2 of the ZNF469 gene, results from a G to A substitution at nucleotide position 9290. The arginine at codon 3097 is replaced by histidine, an amino acid with highly similar properties. This amino acid position is poorly conserved in available vertebrate species. In addition, this alteration is predicted to be tolerated by in silico analysis. Since supporting evidence is limited at this time, the clinical significance of this alteration remains unclear.

NM_001367624.2(ZNF469):c.9374G>A (p.Arg3125His)

Gene: ZNF469 (zinc finger protein 469; plus strand). Cytogenetic location: 16q24.2.
Variant type: single nucleotide variant.
Coding change: c.9374G>A on transcript NM_001367624.2 (MANE Select); coding-DNA position 9374, G replaced by A.
Protein change: p.Arg3125His; replaces arginine 3125 with histidine.
Molecular consequence: missense variant.
Genome position (GRCh38, 1-based): chr16:88,436,844, G>A. VCF-style: chr16-88436844-G-A. GRCh37 (hg19) VCF-style: chr16-88503252-G-A.
Other names: NM_001127464.1:c.9290G>A; short protein forms R3125H.
Identifiers: ClinVar variation 1766448 (VCV001766448.2), dbSNP rs1225758586, ClinGen allele CA397122038.